The following is an entry in ClinVar:

NM_000465.4(BARD1):c.429T>G (p.Ile143Met)

Gene: BARD1 (BRCA1 associated RING domain 1; minus strand). Cytogenetic location: 2q35.
Variant type: single nucleotide variant.
Coding change: c.429T>G on transcript NM_000465.4 (MANE Select); coding-DNA position 429, T replaced by G.
Protein change: p.Ile143Met; replaces isoleucine 143 with methionine.
Molecular consequence: missense variant. On other transcripts: non-coding transcript variant (2), intron variant (3).
Genome position (GRCh38, 1-based): chr2:214,781,445, A>C on the plus strand (T>G on the coding strand, the complement: BARD1 is on the minus strand). VCF-style: chr2-214781445-A-C. GRCh37 (hg19) VCF-style: chr2-215646169-A-C.
Other names: c.372T>G, p.Ile124Met (NM_001282543.2); c.158+27967T>G (NM_001282548.2); c.215+15616T>G (NM_001282545.2); c.364+10852T>G (NM_001282549.2); c.429T>G (NM_000465.2); short protein forms I124M, I143M.
Identifiers: ClinVar variation 921683 (VCV000921683.14), dbSNP rs1695029571, ClinGen allele CA350457829.

ClinVar aggregate classification (germline): Uncertain significance. Review status: criteria provided, multiple submitters, no conflicts (2 of 4 stars). 3 submissions from 3 submitters: Uncertain significance (3). Last evaluated 2025-11-05.

Conditions:
Hereditary cancer-predisposing syndrome. Also called: Neoplastic Syndromes, Hereditary; Tumor predisposition; Hereditary Cancer Syndrome; Hereditary neoplastic syndrome. Identifiers: Orphanet 140162, MedGen C0027672, MeSH D009386, MONDO:0015356.
Familial cancer of breast. Also called: BREAST CANCER, FAMILIAL; hereditary breast carcinoma; Hereditary breast cancer. Identifiers: Orphanet 227535, MedGen C0346153, MONDO:0016419, OMIM 114480. Disease mechanism: loss of function.

Submissions (3):

Labcorp Genetics (formerly Invitae), Labcorp
Classification: Uncertain significance for Familial cancer of breast. Last evaluated: 2025-11-05. Review status: criteria provided, single submitter. Criteria: Invitae Variant Classification Sherloc (09022015). Collection method: clinical testing. Allele origin: germline.
Comment: This sequence change replaces isoleucine, which is neutral and non-polar, with methionine, which is neutral and non-polar, at codon 143 of the BARD1 protein (p.Ile143Met). This variant is not present in population databases (gnomAD no frequency). This variant has not been reported in the literature in individuals affected with BARD1-related conditions. ClinVar contains an entry for this variant (Variation ID: 921683). An algorithm developed to predict the effect of missense changes on protein structure and function (PolyPhen-2) suggests that this variant is likely to be disruptive. In summary, the available evidence is currently insufficient to determine the role of this variant in disease. Therefore, it has been classified as a Variant of Uncertain Significance.

Color Diagnostics, LLC DBA Color Health
Classification: Uncertain significance for Hereditary cancer-predisposing syndrome. Last evaluated: 2024-03-06. Review status: criteria provided, single submitter. Criteria: ACMG Guidelines, 2015. Collection method: clinical testing. Allele origin: germline.
Comment: This missense variant replaces isoleucine with methionine at codon 143 of the BARD1 protein. Computational prediction tool suggests that this variant may not impact protein structure and function (internally defined REVEL score threshold <=0.5, PMID: 27666373). Splice site prediction tools suggest that this variant may not impact RNA splicing. To our knowledge, functional studies have not been performed for this variant. This variant has not been reported in individuals affected with hereditary cancer in the literature. This variant has not been identified in the general population by the Genome Aggregation Database (gnomAD). The available evidence is insufficient to determine the role of this variant in disease conclusively. Therefore, this variant is classified as a Variant of Uncertain Significance.

Ambry Genetics
Classification: Uncertain significance for Hereditary cancer-predisposing syndrome. Last evaluated: 2022-12-26. Review status: criteria provided, single submitter. Criteria: Ambry Variant Classification Scheme 2023. Collection method: clinical testing. Allele origin: germline.
Comment: The p.I143M variant (also known as c.429T>G), located in coding exon 4 of the BARD1 gene, results from a T to G substitution at nucleotide position 429. The isoleucine at codon 143 is replaced by methionine, an amino acid with highly similar properties. This amino acid position is conserved. In addition, the in silico prediction for this alteration is inconclusive. Since supporting evidence is limited at this time, the clinical significance of this alteration remains unclear.